The following is an entry in ClinVar:

ClinVar aggregate classification (germline): Uncertain significance (1 of 4 stars; one submission).

Conditions:
GFI1B-related disorder. Also called: GFI1B-related condition.

gnomAD v4.1: 78 of 1,614,016 alleles (0.0048%); highest among the groups gnomAD compares: South Asian, 0.053%; no homozygotes.

Submission:

PreventionGenetics, part of Exact Sciences
Classification: Uncertain significance for GFI1B-related condition. Last evaluated: 2026-07-13. Review status: criteria provided, single submitter. Criteria: ACMG Guidelines, 2015. Collection method: clinical testing. Allele origin: germline.
Comment: The GFI1B c.118C>T variant is predicted to result in the amino acid substitution p.Pro40Ser. To our knowledge, this variant has not been reported in the literature. This variant is reported in 0.056% of alleles in individuals of South Asian descent in gnomAD. Although we suspect that this variant may be benign, at this time, the clinical significance of this variant is uncertain due to the absence of conclusive functional and genetic evidence.

NM_001377304.1(GFI1B):c.118C>T (p.Pro40Ser)

Gene: GFI1B (growth factor independent 1B transcriptional repressor; plus strand). Cytogenetic location: 9q34.13.
Variant type: single nucleotide variant.
Coding change: c.118C>T on transcript NM_001377304.1 (MANE Select); coding-DNA position 118, C replaced by T.
Protein change: p.Pro40Ser; replaces proline 40 with serine.
Molecular consequence: missense variant.
Genome position (GRCh38, 1-based): chr9:132,987,299, C>T. VCF-style: chr9-132987299-C-T. GRCh37 (hg19) VCF-style: chr9-135862686-C-T.
Other names: c.118C>T, p.Pro40Ser (NM_001135031.2, NM_001371908.1, NM_001377305.1 and 1 more transcripts); short protein forms P40S.
Identifiers: ClinVar variation 4977669 (VCV004977669.1).